The following is an entry in ClinVar:

ClinVar aggregate classification (germline): Uncertain significance. Review status: criteria provided, multiple submitters, no conflicts (2 of 4 stars). 4 submissions from 4 submitters: Uncertain significance (4). Last evaluated 2025-05-07.

Conditions:
Inborn genetic diseases. Identifiers: MedGen C0950123, MeSH D030342.
Larsen-like syndrome, B3GAT3 type. Also called: MULTIPLE JOINT DISLOCATIONS, SHORT STATURE, AND CRANIOFACIAL DYSMORPHISM WITH OR WITHOUT CONGENITAL HEART DEFECTS; Multiple joint dislocations, short stature, craniofacial dysmorphism, with or without congenital heart defects. Identifiers: Orphanet 284139, MedGen CN034159, MONDO:0009511, OMIM 245600.

Allele frequency attached by ClinVar (database versions not stated): gnomAD 0.00001; TOPMed 0.00002; ExAC 0.00003; gnomAD exomes 0.00004 and 0.00005.
gnomAD v4.1: 79 of 1,613,746 alleles (0.0049%); highest among the groups gnomAD compares: Middle Eastern, 0.049%; no homozygotes.

Submissions (4):

Ambry Genetics
Classification: Uncertain significance for Inborn genetic diseases. Last evaluated: 2025-05-07. Review status: criteria provided, single submitter. Criteria: Ambry Variant Classification Scheme 2023. Collection method: clinical testing. Allele origin: germline.

Baylor Genetics
Classification: Uncertain significance for Larsen-like syndrome, B3GAT3 type. Last evaluated: 2023-04-14. Review status: criteria provided, single submitter. Criteria: ACMG Guidelines, 2015. Collection method: clinical testing. Allele origin: unknown.

Labcorp Genetics (formerly Invitae), Labcorp
Classification: Uncertain significance for Larsen-like syndrome, B3GAT3 type. Last evaluated: 2022-08-31. Review status: criteria provided, single submitter. Criteria: Invitae Variant Classification Sherloc (09022015). Collection method: clinical testing. Allele origin: germline.
Comment: This sequence change replaces arginine, which is basic and polar, with glutamine, which is neutral and polar, at codon 327 of the B3GAT3 protein (p.Arg327Gln). This variant is present in population databases (rs569989507, gnomAD 0.009%). This variant has not been reported in the literature in individuals affected with B3GAT3-related conditions. ClinVar contains an entry for this variant (Variation ID: 1029180). Algorithms developed to predict the effect of missense changes on protein structure and function output the following: SIFT: "Tolerated"; PolyPhen-2: "Benign"; Align-GVGD: "Class C0". The glutamine amino acid residue is found in multiple mammalian species, which suggests that this missense change does not adversely affect protein function. In summary, the available evidence is currently insufficient to determine the role of this variant in disease. Therefore, it has been classified as a Variant of Uncertain Significance.

GeneDx
Classification: Uncertain significance. Last evaluated: 2021-04-12. Review status: criteria provided, single submitter. Criteria: GeneDx Variant Classification Process June 2021. Collection method: clinical testing. Allele origin: germline. Affected: yes.
Comment: Not observed at a significant frequency in large population cohorts (Lek et al., 2016); In silico analysis supports that this missense variant does not alter protein structure/function; Has not been previously published as pathogenic or benign to our knowledge

NM_012200.4(B3GAT3):c.980G>A (p.Arg327Gln)

Gene: B3GAT3 (beta-1,3-glucuronyltransferase 3; minus strand). Cytogenetic location: 11q12.3.
Variant type: single nucleotide variant.
Coding change: c.980G>A on transcript NM_012200.4 (MANE Select); coding-DNA position 980, G replaced by A.
Protein change: p.Arg327Gln; replaces arginine 327 with glutamine.
Molecular consequence: missense variant. On other transcripts: 3 prime UTR variant (2), non-coding transcript variant (1).
Genome position (GRCh38, 1-based): chr11:62,615,729, C>T on the plus strand (G>A on the coding strand, the complement: B3GAT3 is on the minus strand). VCF-style: chr11-62615729-C-T. GRCh37 (hg19) VCF-style: chr11-62383201-C-T.
Other names: c.959G>A, p.Arg320Gln (NM_001288721.2); c.*457G>A (NM_001288722.2); c.*473G>A (NM_001288723.2); short protein forms R320Q, R327Q.
Identifiers: ClinVar variation 1029180 (VCV001029180.10), dbSNP rs569989507, ClinGen allele CA6049937.